The following is an entry in ClinVar:

NM_001018115.3(FANCD2):c.224dup (p.Gln76fs)

Genes: FANCD2 (FA complementation group D2; plus strand), LOC107303338 (3p25 FANCD2 Alu-mediated recombination region; plus strand). Cytogenetic location: 3p25.3.
Variant type: Duplication.
Coding change: c.224dup on transcript NM_001018115.3 (MANE Select); coding-DNA position 224, one base duplicated (T; older notation c.224dupT).
Protein change: p.Gln76fs; shifts the reading frame from glutamine 76.
Molecular consequence: frameshift variant.
Genome position (GRCh38, 1-based): chr3:10,034,487, T duplicated; the last of 3 consecutive T bases (chr3:10,034,485-10,034,487); duplicating any one gives the same sequence. VCF-style (leftmost placement, unchanged base first): chr3-10034484-C-CT. GRCh37 (hg19) VCF-style: chr3-10076168-C-CT.
Other names: c.224dup, p.Gln76fs (NM_001319984.2, NM_001374253.1, NM_001374254.1 and 2 more transcripts); short protein forms Q76fs.
Identifiers: ClinVar variation 2675521 (VCV002675521.2), dbSNP rs1165584356, ClinGen allele CA896102793.
Genomic context (GRCh38, chr3:10,034,484, plus strand): 5'-ACTATGGTAGGAAACTGGTGACCAGCTCTTCTTTTTTCTGCATAGCTGTGGATCAAATAG[C>CT]TTTCCAAAAGAAGCTCTTTCAGACCCTGAGGAGACACCCTTCCTATCCCAAAGTATGTAT-3'

ClinVar aggregate classification (germline): Likely pathogenic. Review status: criteria provided, multiple submitters, no conflicts (2 of 4 stars). 2 submissions from 2 submitters: Likely pathogenic (2). Last evaluated 2025-04-01.

Conditions:
Fanconi anemia complementation group D2. Also called: FANCD2-Related Fanconi Anemia; FANCONI PANCYTOPENIA, TYPE 4; FANCONI ANEMIA, COMPLEMENTATION GROUP D. Identifiers: Orphanet 84, MedGen C3160738, MONDO:0009214, OMIM 227646.

Submissions (2):

ARUP Laboratories, Molecular Genetics and Genomics, ARUP Laboratories
Classification: Likely pathogenic for Fanconi anemia complementation group D2. Last evaluated: 2025-04-01. Review status: criteria provided, single submitter. Criteria: ARUP Molecular Germline Variant Investigation Process 2024. Collection method: clinical testing. Allele origin: germline.
Comment: The FANCD2 c.224dup; p.Gln76ProfsTer23 variant (rs1165584356), to our knowledge, is not reported in the medical literature but is reported in ClinVar (Variation ID: 2675521). This variant is also absent from the Genome Aggregation Database (v2.1.1), indicating it is not a common polymorphism. This variant causes a frameshift by inserting a single nucleotide, so it is predicted to result in a truncated protein or mRNA subject to nonsense-mediated decay. Based on available information, this variant is considered to be likely pathogenic.

Baylor Genetics
Classification: Likely pathogenic for Fanconi anemia complementation group D2. Last evaluated: 2022-09-07. Review status: criteria provided, single submitter. Criteria: ACMG Guidelines, 2015. Collection method: clinical testing. Allele origin: unknown.